The following is an entry in ClinVar:

NM_175914.5(HNF4A):c.158C>G (p.Ser53Trp)

Gene: HNF4A (hepatocyte nuclear factor 4 alpha; plus strand). Cytogenetic location: 20q13.12.
Variant type: single nucleotide variant.
Coding change: c.158C>G on transcript NM_175914.5 (MANE Select); coding-DNA position 158, C replaced by G.
Protein change: p.Ser53Trp; replaces serine 53 with tryptophan.
Molecular consequence: missense variant.
Genome position (GRCh38, 1-based): chr20:44,406,166, C>G. VCF-style: chr20-44406166-C-G. GRCh37 (hg19) VCF-style: chr20-43034806-C-G.
Other names: c.224C>G, p.Ser75Trp (NM_000457.6, NM_178849.3, NM_178850.3); c.158C>G, p.Ser53Trp (NM_001030003.3, NM_001030004.3); c.203C>G, p.Ser68Trp (NM_001258355.2); c.149C>G, p.Ser50Trp (NM_001287182.2, NM_001287183.2, NM_001287184.2); short protein forms S50W, S53W, S68W, S75W.
Identifiers: ClinVar variation 5018242 (VCV005018242.1).

ClinVar aggregate classification (germline): Uncertain significance (1 of 4 stars; one submission).

Submission:

GeneDx
Classification: Uncertain significance. Last evaluated: 2026-04-05. Review status: criteria provided, single submitter. Criteria: GeneDx Variant Classification Process June 2021. Collection method: clinical testing. Allele origin: germline.
Comment: Not observed at significant frequency in large population cohorts (gnomAD); In silico analysis supports that this missense variant has a deleterious effect on protein structure/function; Has not been previously published as pathogenic or benign to our knowledge; This variant is associated with the following publications: (PMID: 18829458)